The following is an entry in ClinVar:

NM_001127208.3(TET2):c.3594+1G>T

Genes: TET2 (tet methylcytosine dioxygenase 2; plus strand), TET2-AS1 (TET2 antisense RNA 1; minus strand). Cytogenetic location: 4q24.
Variant type: single nucleotide variant.
Coding change: c.3594+1G>T on transcript NM_001127208.3 (MANE Select); the canonical splice donor site of the intron after coding-DNA position 3594, G replaced by T.
Molecular consequence: splice donor variant.
Genome position (GRCh38, 1-based): chr4:105,242,928, G>T. VCF-style: chr4-105242928-G-T. GRCh37 (hg19) VCF-style: chr4-106164085-G-T.
Identifiers: ClinVar variation 3691064 (VCV003691064.2).

ClinVar aggregate classification (germline): Likely pathogenic (1 of 4 stars; one submission).

Submission:

Labcorp Genetics (formerly Invitae), Labcorp
Classification: Likely pathogenic. Last evaluated: 2024-08-06. Review status: criteria provided, single submitter. Criteria: Invitae Variant Classification Sherloc (09022015). Collection method: clinical testing. Allele origin: germline.
Comment: This sequence change affects a donor splice site in intron 5 of the TET2 gene. It is expected to disrupt RNA splicing. Variants that disrupt the donor or acceptor splice site typically lead to a loss of protein function (PMID: 16199547), and loss-of-function variants in TET2 are known to be pathogenic (PMID: 36066697). This variant is not present in population databases (gnomAD no frequency). This variant has not been reported in the literature in individuals affected with TET2-related conditions. Algorithms developed to predict the effect of sequence changes on RNA splicing suggest that this variant may disrupt the consensus splice site. In summary, the currently available evidence indicates that the variant is pathogenic, but additional data are needed to prove that conclusively. Therefore, this variant has been classified as Likely Pathogenic.

Literature cited by the submitters: PubMed 16199547; PubMed 36066697.